The following is an entry in ClinVar:

ClinVar aggregate classification (germline): Uncertain significance (1 of 4 stars; one submission).

Conditions:
Brachyolmia-amelogenesis imperfecta syndrome. Also called: Tooth agenesis, selective, 6; Dental anomalies and short stature; PLATYSPONDYLY WITH AMELOGENESIS IMPERFECTA. Identifiers: Orphanet 2899, MedGen C1832594, MONDO:0011018, OMIM 601216. Disease mechanism: loss of function.

Allele frequency attached by ClinVar (database versions not stated): gnomAD exomes below 0.00001.
gnomAD v4.1: 6 of 1,613,812 alleles (0.00037%); highest among the groups gnomAD compares: South Asian, 0.0055%; no homozygotes.

Submission:

Labcorp Genetics (formerly Invitae), Labcorp
Classification: Uncertain significance for Brachyolmia-amelogenesis imperfecta syndrome. Last evaluated: 2023-11-04. Review status: criteria provided, single submitter. Criteria: Invitae Variant Classification Sherloc (09022015). Collection method: clinical testing. Allele origin: germline.
Comment: This sequence change falls in intron 12 of the LTBP3 gene. It does not directly change the encoded amino acid sequence of the LTBP3 protein. It affects a nucleotide within the consensus splice site. This variant is present in population databases (no rsID available, gnomAD 0.003%). This variant has not been reported in the literature in individuals affected with LTBP3-related conditions. Variants that disrupt the consensus splice site are a relatively common cause of aberrant splicing (PMID: 17576681, 9536098). Algorithms developed to predict the effect of sequence changes on RNA splicing suggest that this variant is not likely to affect RNA splicing. In summary, the available evidence is currently insufficient to determine the role of this variant in disease. Therefore, it has been classified as a Variant of Uncertain Significance.

Literature cited by the submitters: PubMed 17576681; PubMed 9536098.

NM_001130144.3(LTBP3):c.1846+3G>A

Gene: LTBP3 (latent transforming growth factor beta binding protein 3; minus strand). Cytogenetic location: 11q13.1.
Variant type: single nucleotide variant.
Coding change: c.1846+3G>A on transcript NM_001130144.3 (MANE Select); 3 bases into the intron after coding-DNA position 1846, G replaced by A.
Molecular consequence: intron variant.
Genome position (GRCh38, 1-based): chr11:65,547,917, C>T on the plus strand (G>A on the coding strand, the complement: LTBP3 is on the minus strand). VCF-style: chr11-65547917-C-T. GRCh37 (hg19) VCF-style: chr11-65315388-C-T.
Other names: c.1846+3G>A (NM_021070.4); c.1495+3G>A (NM_001164266.1).
Identifiers: ClinVar variation 2861244 (VCV002861244.3), dbSNP rs1565096105, ClinGen allele CA600226856.